The following is an entry in ClinVar:

NM_024642.5(GALNT12):c.1165G>C (p.Asp389His)

Gene: GALNT12 (polypeptide N-acetylgalactosaminyltransferase 12; plus strand). Cytogenetic location: 9q22.33.
Variant type: single nucleotide variant.
Coding change: c.1165G>C on transcript NM_024642.5 (MANE Select); coding-DNA position 1165, G replaced by C.
Protein change: p.Asp389His; replaces aspartic acid 389 with histidine.
Molecular consequence: missense variant.
Genome position (GRCh38, 1-based): chr9:98,837,101, G>C. VCF-style: chr9-98837101-G-C. GRCh37 (hg19) VCF-style: chr9-101599383-G-C.
Other names: short protein forms D389H.
Identifiers: ClinVar variation 4027987 (VCV004027987.1).

ClinVar aggregate classification (germline): Uncertain significance (1 of 4 stars; one submission).

gnomAD v4.1: 1 of 1,614,040 alleles (0.000062%); highest among the groups gnomAD compares: Non-Finnish European, 0.000085%; no homozygotes.

Submission:

Ambry Genetics
Classification: Uncertain significance. Last evaluated: 2025-04-14. Review status: criteria provided, single submitter. Criteria: Ambry Variant Classification Scheme 2023. Collection method: clinical testing. Allele origin: germline.
Comment: The p.D389H variant (also known as c.1165G>C), located in coding exon 6 of the GALNT12 gene, results from a G to C substitution at nucleotide position 1165. The aspartic acid at codon 389 is replaced by histidine, an amino acid with similar properties. This amino acid position is conserved. In addition, this alteration is predicted to be deleterious by in silico analysis. Based on the available evidence, the clinical significance of this variant remains unclear.